The following is an entry in ClinVar:

ClinVar aggregate classification (germline): Uncertain significance (1 of 4 stars; one submission).

Conditions:
Intellectual developmental disorder with dysmorphic facies and ptosis (IDDDFP). Identifiers: Orphanet 698090, MedGen C4310617, MONDO:0015022, OMIM 617333.

Allele frequency attached by ClinVar (database versions not stated): TOPMed below 0.00001; ExAC 0.00002; gnomAD exomes 0.00001.
gnomAD v4.1: 5 of 1,614,130 alleles (0.00031%); highest among the groups gnomAD compares: South Asian, 0.0055%; no homozygotes.

Submission:

Neuberg Centre For Genomic Medicine, NCGM
Classification: Uncertain significance for Intellectual developmental disorder with dysmorphic facies and ptosis. Review status: criteria provided, single submitter. Criteria: ACMG Guidelines, 2015. Collection method: clinical testing. Allele origin: germline. Inheritance: Autosomal dominant inheritance. Affected: yes.
Comment: The missense c.282G>T (p.Gln94His) variant in BRPF1 gene has not been reported previously as a pathogenic variant nor as a benign variant, to our knowledge. The p.Gln94His variant is reported with allele frequency of 0.001% in gnomAD Exomes and is novel (not in any individuals) in 1000 Genomes. This variant has not been reported to the ClinVar database. The amino acid change p.Gln94His in BRPF1 is predicted as conserved by GERP++ and PhyloP across 100 vertebrates. The amino acid Gln at position 94 is changed to a His changing protein sequence and it might alter its composition and physico-chemical properties. For these reasons, this variant has been classified as a Variant of Uncertain Significance (VUS).

NM_001003694.2(BRPF1):c.282G>T (p.Gln94His)

Gene: BRPF1 (bromodomain and PHD finger containing 1; plus strand). Cytogenetic location: 3p25.3.
Variant type: single nucleotide variant.
Coding change: c.282G>T on transcript NM_001003694.2 (MANE Select); coding-DNA position 282, G replaced by T.
Protein change: p.Gln94His; replaces glutamine 94 with histidine.
Molecular consequence: missense variant. On other transcripts: non-coding transcript variant (1).
Genome position (GRCh38, 1-based): chr3:9,734,422, G>T. VCF-style: chr3-9734422-G-T. GRCh37 (hg19) VCF-style: chr3-9776106-G-T.
Other names: c.282G>T, p.Gln94His (NM_001319049.2, NM_001319050.2, NM_001410704.1 and 1 more transcripts); short protein forms Q94H.
Identifiers: ClinVar variation 3242190 (VCV003242190.1), dbSNP rs751469381.